The following is an entry in ClinVar:

ClinVar aggregate classification (germline): Uncertain significance. Review status: criteria provided, multiple submitters, no conflicts (2 of 4 stars). 4 submissions from 4 submitters: Uncertain significance (3). 1 of the submissions does not count toward it. Last evaluated 2024-09-24.

Conditions:
BBS2-related disorder. Also called: BBS2-related condition; BBS2-related disorders. Identifiers: MedGen CN239228.
Inborn genetic diseases. Identifiers: MedGen C0950123, MeSH D030342.
Bardet-Biedl syndrome (BBS). Identifiers: Orphanet 110, MedGen C0752166, MONDO:0015229.

Allele frequency attached by ClinVar (database versions not stated): gnomAD exomes 0.00002; gnomAD 0.00003; TOPMed 0.00005; ExAC 0.00007.
gnomAD v4.1: 33 of 1,611,678 alleles (0.002%); highest among the groups gnomAD compares: Middle Eastern, 0.049%; 1 homozygote.

Submissions (4):

Ambry Genetics
Classification: Uncertain significance for Inborn genetic diseases. Last evaluated: 2024-09-24. Review status: criteria provided, single submitter. Criteria: Ambry Variant Classification Scheme 2023. Collection method: clinical testing. Allele origin: germline.

Blueprint Genetics
Classification: Uncertain significance. Last evaluated: 2023-07-27. Review status: criteria provided, single submitter. Criteria: ACMG Guidelines, 2015. Collection method: clinical testing. Allele origin: germline.

Labcorp Genetics (formerly Invitae), Labcorp
Classification: Uncertain significance for Bardet-Biedl syndrome. Last evaluated: 2022-07-05. Review status: criteria provided, single submitter. Criteria: Invitae Variant Classification Sherloc (09022015). Collection method: clinical testing. Allele origin: germline.
Comment: This sequence change replaces isoleucine, which is neutral and non-polar, with threonine, which is neutral and polar, at codon 561 of the BBS2 protein (p.Ile561Thr). This variant is present in population databases (rs745378319, gnomAD 0.009%), including at least one homozygous and/or hemizygous individual. This variant has not been reported in the literature in individuals affected with BBS2-related conditions. Algorithms developed to predict the effect of missense changes on protein structure and function (SIFT, PolyPhen-2, Align-GVGD) all suggest that this variant is likely to be disruptive. In summary, the available evidence is currently insufficient to determine the role of this variant in disease. Therefore, it has been classified as a Variant of Uncertain Significance.

PreventionGenetics, part of Exact Sciences
Classification: Uncertain significance for BBS2-related condition. Last evaluated: 2024-04-02. Review status: no assertion criteria provided. Collection method: clinical testing. Allele origin: germline. Not counted in ClinVar's aggregate classification.
Comment: The BBS2 c.1682T>C variant is predicted to result in the amino acid substitution p.Ile561Thr. To our knowledge, this variant has not been reported in the literature. This variant is reported in 0.0085% of alleles in individuals of European (Non-Finnish) descent in gnomAD including one homozygous individual of unknown phenotype. At this time, the clinical significance of this variant is uncertain due to the absence of conclusive functional and genetic evidence.

NM_031885.5(BBS2):c.1682T>C (p.Ile561Thr)

Gene: BBS2 (Bardet-Biedl syndrome 2; minus strand). Cytogenetic location: 16q13.
Variant type: single nucleotide variant.
Coding change: c.1682T>C on transcript NM_031885.5 (MANE Select); coding-DNA position 1682, T replaced by C.
Protein change: p.Ile561Thr; replaces isoleucine 561 with threonine.
Molecular consequence: missense variant. On other transcripts: non-coding transcript variant (5).
Genome position (GRCh38, 1-based): chr16:56,497,858, A>G on the plus strand (T>C on the coding strand, the complement: BBS2 is on the minus strand). VCF-style: chr16-56497858-A-G. GRCh37 (hg19) VCF-style: chr16-56531770-A-G.
Other names: c.1682T>C (NM_031885.3); c.1682T>C, p.Ile561Thr (NM_001377456.1); short protein forms I561T.
Identifiers: ClinVar variation 2153143 (VCV002153143.5), dbSNP rs745378319, ClinGen allele CA8065640.